The following is an entry in ClinVar:

NM_005529.7(HSPG2):c.12994G>T (p.Val4332Phe)

Genes: HSPG2 (heparan sulfate proteoglycan 2; minus strand), LDLRAD2 (low density lipoprotein receptor class A domain containing 2; plus strand). Cytogenetic location: 1p36.12.
Variant type: single nucleotide variant.
Coding change: c.12994G>T on transcript NM_005529.7 (MANE Select); coding-DNA position 12994, G replaced by T.
Protein change: p.Val4332Phe; replaces valine 4332 with phenylalanine.
Molecular consequence: missense variant. On other transcripts: 3 prime UTR variant (1).
Genome position (GRCh38, 1-based): chr1:21,823,625, C>A on the plus strand (G>T on the coding strand, the complement: HSPG2 is on the minus strand). VCF-style: chr1-21823625-C-A. GRCh37 (hg19) VCF-style: chr1-22150118-C-A.
Other names: c.12997G>T, p.Val4333Phe (NM_001291860.2); c.*1410C>A (NM_001013693.3); short protein forms V4332F, V4333F.
Identifiers: ClinVar variation 994198 (VCV000994198.8), dbSNP rs1138469, ClinGen allele CA338895823.
Genomic context (GRCh38, chr1:21,823,625, plus strand): 5'-CTAAGGGAGTGCCGTTCCTGCCCCTGCCCTGAGAAGGAGCCCCAGACTTACCGATGTAGA[C>A]GCTGCCCTTGGCGTTGACTGCCACGTTGGGACCTGGGGACCGGCCGCTGACCAGCTCCTC-3'
Protein context (NP_005520.4, residues 4322-4342): PNVAVNAKGS[Val4332Phe]YIGGAPDVAT

ClinVar aggregate classification (germline): Uncertain significance (1 of 4 stars; one submission).

gnomAD v4.1: 1 of 1,613,648 alleles (0.000062%); highest among the groups gnomAD compares: Non-Finnish European, 0.000085%; no homozygotes.

Submission:

ARUP Laboratories, Molecular Genetics and Genomics, ARUP Laboratories
Classification: Uncertain significance. Last evaluated: 2019-12-11. Review status: criteria provided, single submitter. Criteria: ARUP Molecular Germline Variant Investigation Process. Collection method: clinical testing. Allele origin: germline.
Comment: The HSPG2 c.12994G>T; p.Val4332Phe variant, to our knowledge, is not reported in the medical literature or gene specific databases. This variant is also absent from general population databases (Exome Variant Server, Genome Aggregation Database), indicating it is not a common polymorphism. The valine at codon 4332 is weakly conserved, but computational analyses (SIFT, PolyPhen-2) predict that this variant is deleterious. Due to limited information, the clinical significance of the p.Val4332Phe variant is uncertain at this time.